The following is an entry in ClinVar:

NM_001754.5(RUNX1):c.1193C>A (p.Ala398Asp)

Gene: RUNX1 (RUNX family transcription factor 1; minus strand). Cytogenetic location: 21q22.12.
Variant type: single nucleotide variant.
Coding change: c.1193C>A on transcript NM_001754.5 (MANE Select); coding-DNA position 1193, C replaced by A.
Protein change: p.Ala398Asp; replaces alanine 398 with aspartic acid.
Molecular consequence: missense variant.
Genome position (GRCh38, 1-based): chr21:34,792,385, G>T on the plus strand (C>A on the coding strand, the complement: RUNX1 is on the minus strand). VCF-style: chr21-34792385-G-T. GRCh37 (hg19) VCF-style: chr21-36164682-G-T.
Other names: c.1112C>A, p.Ala371Asp (NM_001001890.3); short protein forms A371D, A398D.
Identifiers: ClinVar variation 4158186 (VCV004158186.1).

ClinVar aggregate classification (germline): Uncertain significance (1 of 4 stars; one submission).

Conditions:
Inborn genetic diseases. Identifiers: MedGen C0950123, MeSH D030342.

Submission:

Ambry Genetics
Classification: Uncertain significance for Inborn genetic diseases. Last evaluated: 2025-06-24. Review status: criteria provided, single submitter. Criteria: Ambry Variant Classification Scheme 2023. Collection method: clinical testing. Allele origin: germline.
Comment: The p.A398D variant (also known as c.1193C>A), located in coding exon 8 of the RUNX1 gene, results from a C to A substitution at nucleotide position 1193. The alanine at codon 398 is replaced by aspartic acid, an amino acid with dissimilar properties. This amino acid position is conserved. In addition, this alteration is predicted to be tolerated by in silico analysis. Based on the available evidence, the clinical significance of this variant remains unclear.